The following is an entry in ClinVar:

ClinVar aggregate classification (germline): Uncertain significance (1 of 4 stars; one submission).

Submission:

Labcorp Genetics (formerly Invitae), Labcorp
Classification: Uncertain significance. Last evaluated: 2021-11-24. Review status: criteria provided, single submitter. Criteria: Invitae Variant Classification Sherloc (09022015). Collection method: clinical testing. Allele origin: germline.
Comment: This sequence change replaces valine, which is neutral and non-polar, with leucine, which is neutral and non-polar, at codon 4256 of the USH2A protein (p.Val4256Leu). Information on the frequency of this variant in the gnomAD database is not available, as this variant may be reported differently in the database. This variant has not been reported in the literature in individuals affected with USH2A-related conditions. Experimental studies and prediction algorithms are not available or were not evaluated, and the functional significance of this variant is currently unknown. In summary, the available evidence is currently insufficient to determine the role of this variant in disease. Therefore, it has been classified as a Variant of Uncertain Significance.

NM_206933.4(USH2A):c.12765_12766delinsCT (p.Val4256Leu)

Gene: USH2A (usherin; minus strand). Cytogenetic location: 1q41.
Variant type: Indel.
Coding change: c.12765_12766delinsCT on transcript NM_206933.4 (MANE Select); coding-DNA positions 12765 to 12766, GG replaced by CT.
Protein change: p.Val4256Leu; replaces valine 4256 with leucine.
Molecular consequence: missense variant.
Genome position (GRCh38, 1-based): chr1:215,675,145-215,675,146, CC replaced by AG on the plus strand (GG replaced by CT on the coding strand, the reverse complement: USH2A is on the minus strand). VCF-style: chr1-215675145-CC-AG. GRCh37 (hg19) VCF-style: chr1-215848487-CC-AG.
Other names: short protein forms V4256L.
Identifiers: ClinVar variation 1484479 (VCV001484479.6), dbSNP rs2102666364, ClinGen allele CA2573131580.